The following is an entry in ClinVar:

NM_015046.7(SETX):c.4114G>C (p.Asp1372His)

Gene: SETX (senataxin; minus strand). Cytogenetic location: 9q34.13.
Variant type: single nucleotide variant.
Coding change: c.4114G>C on transcript NM_015046.7 (MANE Select); coding-DNA position 4114, G replaced by C.
Protein change: p.Asp1372His; replaces aspartic acid 1372 with histidine.
Molecular consequence: missense variant.
Genome position (GRCh38, 1-based): chr9:132,327,484, C>G on the plus strand (G>C on the coding strand, the complement: SETX is on the minus strand). VCF-style: chr9-132327484-C-G. GRCh37 (hg19) VCF-style: chr9-135202871-C-G.
Other names: c.4114G>C, p.Asp1372His (NM_001351527.2, NM_001351528.2); short protein forms D1372H.
Identifiers: ClinVar variation 566410 (VCV000566410.14), dbSNP rs1564539457, ClinGen allele CA375327263.

ClinVar aggregate classification (germline): Uncertain significance. Review status: criteria provided, multiple submitters, no conflicts (2 of 4 stars). 6 submissions from 5 submitters: Uncertain significance (6). Last evaluated 2025-07-29.

Conditions:
Amyotrophic lateral sclerosis type 4 (ALS4). Also called: AMYOTROPHIC LATERAL SCLEROSIS 4, JUVENILE; NEURONOPATHY, DISTAL HEREDITARY MOTOR, WITH PYRAMIDAL FEATURES. Identifiers: Orphanet 357043, MedGen C1865409, MONDO:0011223, OMIM 602433.
Spinocerebellar ataxia, autosomal recessive, with axonal neuropathy 2 (SCAN2). Also called: ATAXIA-OCULOMOTOR APRAXIA 2; Ataxia-ocular apraxia-2; Ataxia with Oculomotor Apraxia; Ataxia with Oculomotor Apraxia Type 2. Identifiers: Orphanet 64753, MedGen C1853761, MONDO:0018996, OMIM 606002.
Inborn genetic diseases. Identifiers: MedGen C0950123, MeSH D030342.

Allele frequency attached by ClinVar (database versions not stated): gnomAD 0.00001; gnomAD exomes 0.00001; TOPMed 0.00001.
gnomAD v4.1: 13 of 1,614,002 alleles (0.00081%); highest among the groups gnomAD compares: Non-Finnish European, 0.0011%; no homozygotes.

Submissions (6):

Labcorp Genetics (formerly Invitae), Labcorp
Classification: Uncertain significance for Amyotrophic lateral sclerosis type 4; Spinocerebellar ataxia, autosomal recessive, with axonal neuropathy 2. Last evaluated: 2025-07-29. Review status: criteria provided, single submitter. Criteria: Invitae Variant Classification Sherloc (09022015). Collection method: clinical testing. Allele origin: germline.
Comment: This sequence change replaces aspartic acid, which is acidic and polar, with histidine, which is basic and polar, at codon 1372 of the SETX protein (p.Asp1372His). This variant is not present in population databases (gnomAD no frequency). This variant has not been reported in the literature in individuals affected with SETX-related conditions. ClinVar contains an entry for this variant (Variation ID: 566410). Invitae Evidence Modeling of protein sequence and biophysical properties (such as structural, functional, and spatial information, amino acid conservation, physicochemical variation, residue mobility, and thermodynamic stability) indicates that this missense variant is not expected to disrupt SETX protein function with a negative predictive value of 95%. In summary, the available evidence is currently insufficient to determine the role of this variant in disease. Therefore, it has been classified as a Variant of Uncertain Significance.

Athena Diagnostics
Classification: Uncertain significance. Last evaluated: 2023-07-11. Review status: criteria provided, single submitter. Criteria: Athena Diagnostics Criteria. Collection method: clinical testing. Allele origin: unknown.
Comment: Available data are insufficient to determine the clinical significance of the variant at this time. The frequency of this variant in the general population is uninformative in assessment of its pathogenicity. Computational tools predict that this variant is not damaging.

Genome-Nilou Lab
Classification: Uncertain significance for Spinocerebellar ataxia, autosomal recessive, with axonal neuropathy 2. Last evaluated: 2023-02-08. Review status: criteria provided, single submitter. Criteria: ACMG Guidelines, 2015. Collection method: clinical testing. Allele origin: germline.

Genome-Nilou Lab
Classification: Uncertain significance for Amyotrophic lateral sclerosis type 4. Last evaluated: 2023-02-08. Review status: criteria provided, single submitter. Criteria: ACMG Guidelines, 2015. Collection method: clinical testing. Allele origin: germline.

GeneDx
Classification: Uncertain significance. Last evaluated: 2020-01-23. Review status: criteria provided, single submitter. Criteria: GeneDx Variant Classification Process June 2021. Collection method: clinical testing. Allele origin: germline. Affected: yes.
Comment: Not observed in large population cohorts (Lek et al., 2016); In silico analysis, which includes protein predictors and evolutionary conservation, supports that this variant does not alter protein structure/function; Has not been previously published as pathogenic or benign to our knowledge

Ambry Genetics
Classification: Uncertain significance for Inborn genetic diseases. Last evaluated: 2019-09-06. Review status: criteria provided, single submitter. Criteria: Ambry Variant Classification Scheme 2023. Collection method: clinical testing. Allele origin: germline.
Comment: The p.D1372H variant (also known as c.4114G>C), located in coding exon 8 of the SETX gene, results from a G to C substitution at nucleotide position 4114. The aspartic acid at codon 1372 is replaced by histidine, an amino acid with similar properties. This amino acid position is poorly conserved in available vertebrate species. In addition, this alteration is predicted to be tolerated by in silico analysis. Since supporting evidence is limited at this time, the clinical significance of this alteration remains unclear.